The following is an entry in ClinVar:

NM_000277.3(PAH):c.730C>T (p.Pro244Ser)

Gene: PAH (phenylalanine hydroxylase; minus strand). Cytogenetic location: 12q23.2.
Variant type: single nucleotide variant.
Coding change: c.730C>T on transcript NM_000277.3 (MANE Select); coding-DNA position 730, C replaced by T.
Protein change: p.Pro244Ser; replaces proline 244 with serine.
Molecular consequence: missense variant.
Genome position (GRCh38, 1-based): chr12:102,852,927, G>A on the plus strand (C>T on the coding strand, the complement: PAH is on the minus strand). VCF-style: chr12-102852927-G-A. GRCh37 (hg19) VCF-style: chr12-103246705-G-A.
Other names: NM_000277.1:c.730C>T; c.730C>T, p.Pro244Ser (NM_001354304.2); short protein forms P244S.
Identifiers: ClinVar variation 1327557 (VCV001327557.1), dbSNP rs2136646392, ClinGen allele CA16020848.

ClinVar aggregate classification (germline): Likely pathogenic (3 of 4 stars; one submission).

Conditions:
Phenylketonuria (PKU). Also called: Phenylketonuria (PKU); FOLLING DISEASE; OLIGOPHRENIA PHENYLPYRUVICA; Phenylketonurias. Identifiers: Orphanet 716, MedGen C0031485, MONDO:0009861, OMIM 261600. Disease mechanism: loss of function.

Submission:

ClinGen PAH Variant Curation Expert Panel
Classification: Likely pathogenic for Phenylketonuria. Last evaluated: 2020-08-07. Review status: reviewed by expert panel. Criteria: ClinGen PAH ACMG Specifications v1. Collection method: curation. Allele origin: germline. Inheritance: Autosomal recessive inheritance.
Comment: The c.730C>T (p.Pro244Ser) variant in PAH has been reported in 1 individual with classic PKU, detected in trans with pathogenic variant p.R158Q (PMID: 26542770). This variant is absent in population databases. Computational evidence supports a deleterious effect. In summary, this variant meets criteria to be classified as likely pathogenic for PAH. PAH-specific ACMG/AMP criteria applied: PP4, PM2, PM3, PP3.

Literature cited by the submitters: PubMed 26542770.